The following is an entry in ClinVar:

NM_000051.4(ATM):c.3617T>C (p.Leu1206Ser)

Gene: ATM (ATM serine/threonine kinase; plus strand). Cytogenetic location: 11q22.3.
Variant type: single nucleotide variant.
Coding change: c.3617T>C on transcript NM_000051.4 (MANE Select); coding-DNA position 3617, T replaced by C.
Protein change: p.Leu1206Ser; replaces leucine 1206 with serine.
Molecular consequence: missense variant.
Genome position (GRCh38, 1-based): chr11:108,282,750, T>C. VCF-style: chr11-108282750-T-C. GRCh37 (hg19) VCF-style: chr11-108153477-T-C.
Other names: c.3617T>C, p.Leu1206Ser (NM_001351834.2); short protein forms L1206S.
Identifiers: ClinVar variation 453478 (VCV000453478.16), dbSNP rs1555092317, ClinGen allele CA382522799.

ClinVar aggregate classification (germline): Uncertain significance. Review status: criteria provided, multiple submitters, no conflicts (2 of 4 stars). 4 submissions from 4 submitters: Uncertain significance (3). 1 of the submissions does not count toward it. Last evaluated 2025-05-16.

Conditions:
Hereditary cancer-predisposing syndrome. Also called: Tumor predisposition; Hereditary Cancer Syndrome; Neoplastic Syndromes, Hereditary; Hereditary neoplastic syndrome. Identifiers: Orphanet 140162, MedGen C0027672, MeSH D009386, MONDO:0015356.
Ataxia-telangiectasia syndrome (AT). Also called: Cerebello-oculocutaneous telangiectasia; Immunodeficiency with ataxia telangiectasia; Ataxia-telangiectasia, complementation group D; AT, COMPLEMENTATION GROUP C; Ataxia-telangiectasia, complementation group E; LOUIS-BAR SYNDROME. Identifiers: Orphanet 100, MedGen C0004135, MONDO:0008840, OMIM 208900.

Submissions (4):

Ambry Genetics
Classification: Uncertain significance for Hereditary cancer-predisposing syndrome. Last evaluated: 2025-05-16. Review status: criteria provided, single submitter. Criteria: Ambry Variant Classification Scheme 2023. Collection method: clinical testing. Allele origin: germline.
Comment: The p.L1206S variant (also known as c.3617T>C), located in coding exon 24 of the ATM gene, results from a T to C substitution at nucleotide position 3617. The leucine at codon 1206 is replaced by serine, an amino acid with dissimilar properties. This amino acid position is conserved. In addition, this alteration is predicted to be tolerated by in silico analysis. Since supporting evidence is limited at this time, the clinical significance of this alteration remains unclear.

Quest Diagnostics Nichols Institute San Juan Capistrano
Classification: Uncertain significance. Last evaluated: 2024-01-24. Review status: criteria provided, single submitter. Criteria: Quest Diagnostics criteria. Collection method: clinical testing. Allele origin: unknown.

Labcorp Genetics (formerly Invitae), Labcorp
Classification: Uncertain significance for Ataxia-telangiectasia syndrome. Last evaluated: 2017-07-17. Review status: criteria provided, single submitter. Criteria: Invitae Variant Classification Sherloc (09022015). Collection method: clinical testing. Allele origin: germline.
Comment: This sequence change replaces leucine with serine at codon 1206 of the ATM protein (p.Leu1206Ser). The leucine residue is weakly conserved and there is a large physicochemical difference between leucine and serine. In summary, the available evidence is currently insufficient to determine the role of this variant in disease. Therefore, it has been classified as a Variant of Uncertain Significance. Algorithms developed to predict the effect of missense changes on protein structure and function do not agree on the potential impact of this missense change (SIFT: "Tolerated"; PolyPhen-2: "Possibly Damaging"; Align-GVGD: "Class C0"). This variant has not been reported in the literature in individuals with ATM-related disease. This variant is not present in population databases (ExAC no frequency).

Natera, Inc.
Classification: Uncertain significance for Ataxia-telangiectasia. Last evaluated: 2021-08-10. Review status: no assertion criteria provided. Collection method: clinical testing. Allele origin: germline. Not counted in ClinVar's aggregate classification.